The following is an entry in ClinVar:

NM_001273.5(CHD4):c.4834C>T (p.Pro1612Ser)

Genes: CHD4 (chromodomain helicase DNA binding protein 4; minus strand), CHD4-AS1 (CHD4 antisense RNA 1; plus strand). Cytogenetic location: 12p13.31.
Variant type: single nucleotide variant.
Coding change: c.4834C>T on transcript NM_001273.5 (MANE Select); coding-DNA position 4834, C replaced by T.
Protein change: p.Pro1612Ser; replaces proline 1612 with serine.
Molecular consequence: missense variant.
Genome position (GRCh38, 1-based): chr12:6,581,119, G>A on the plus strand (C>T on the coding strand, the complement: CHD4 is on the minus strand). VCF-style: chr12-6581119-G-A. GRCh37 (hg19) VCF-style: chr12-6690285-G-A.
Other names: c.4813C>T, p.Pro1605Ser (NM_001297553.2); c.4795C>T, p.Pro1599Ser (NM_001363606.2); short protein forms P1599S, P1605S, P1612S.
Identifiers: ClinVar variation 3025891 (VCV003025891.22), dbSNP rs1423169880, ClinGen allele CA383570300.

ClinVar aggregate classification (germline): Uncertain significance (1 of 4 stars; one submission).

Allele frequency attached by ClinVar (database versions not stated): gnomAD exomes 0.00001.
gnomAD v4.1: 4 of 1,614,100 alleles (0.00025%); highest among the groups gnomAD compares: Non-Finnish European, 0.00034%; no homozygotes.

Submission:

CeGaT Center for Human Genetics Tuebingen
Classification: Uncertain significance. Last evaluated: 2024-02-01. Review status: criteria provided, single submitter. Criteria: CeGaT Center For Human Genetics Tuebingen Variant Classification Criteria Version 2. Collection method: clinical testing. Allele origin: germline. Affected: yes. Observed: 1 variant allele.
Comment: CHD4: PM2, BP4